The following is an entry in ClinVar:

ClinVar aggregate classification (germline): Pathogenic (1 of 4 stars; one submission).

Submission:

Labcorp Genetics (formerly Invitae), Labcorp
Classification: Pathogenic. Last evaluated: 2020-06-22. Review status: criteria provided, single submitter. Criteria: Invitae Variant Classification Sherloc (09022015). Collection method: clinical testing. Allele origin: germline.
Comment: This variant is not present in population databases (ExAC no frequency). This variant has not been reported in the literature in individuals with COL4A4-related conditions. This variant disrupts the C-terminus of the COL4A4 protein. Other variant(s) that disrupt this region (p.Arg1682Glyfs*6) have been determined to be pathogenic (Invitae). This suggests that variants that disrupt this region of the protein are likely to be causative of disease. For these reasons, this variant has been classified as Pathogenic. This sequence change results in a premature translational stop signal in the COL4A4 gene (p.Ala1657Glyfs*2). While this is not anticipated to result in nonsense mediated decay, it is expected to disrupt the last 34 amino acids of the COL4A4 protein.

NM_000092.5(COL4A4):c.4962_4969dup (p.Ala1657delinsGlyTer)

Gene: COL4A4 (collagen type IV alpha 4 chain; minus strand). Cytogenetic location: 2q36.3.
Variant type: Duplication.
Coding change: c.4962_4969dup on transcript NM_000092.5 (MANE Select); coding-DNA positions 4962 to 4969, 8 bases duplicated (GGTGAAAG; older notation c.4962_4969dupGGTGAAAG).
Protein change: p.Ala1657delinsGlyTer.
Molecular consequence: nonsense.
Genome position (GRCh38, 1-based): chr2:227,007,429-227,007,436, CTTTCACC duplicated on the plus strand (GGTGAAAG on the coding strand, the reverse complement: COL4A4 is on the minus strand). VCF-style (leftmost placement, unchanged base first): chr2-227007428-G-GCTTTCACC. GRCh37 (hg19) VCF-style: chr2-227872144-G-GCTTTCACC.
Identifiers: ClinVar variation 1073049 (VCV001073049.9), dbSNP rs2149713829, ClinGen allele CA2499215708.